The following is an entry in ClinVar:

ClinVar aggregate classification (germline): Pathogenic. Review status: criteria provided, multiple submitters, no conflicts (2 of 4 stars). 2 submissions from 2 submitters: Pathogenic (2). Last evaluated 2024-10-11.

Conditions:
Congenital multicore myopathy with external ophthalmoplegia (CMYO1B). Also called: MULTIMINICORE DISEASE WITH EXTERNAL OPHTHALMOPLEGIA; MULTICORE MYOPATHY; Minicore myopathy with external ophthalmoplegia; Congenital myopathy 1B, autosomal recessive; Minicore myopathy. Identifiers: Orphanet 598, Orphanet 98905, MedGen C1850674, MONDO:0009712, OMIM 255320, HP:0003789.

Submissions (2):

Victorian Clinical Genetics Services, Murdoch Childrens Research Institute
Classification: Pathogenic for Congenital multicore myopathy with external ophthalmoplegia. Last evaluated: 2024-10-11. Review status: criteria provided, single submitter. Criteria: ACMG Guidelines, 2015. Collection method: clinical testing. Allele origin: germline. Inheritance: Autosomal recessive inheritance. Affected: no.
Comment: Based on the classification scheme VCGS_Germline_v1.3.5, this variant is classified as Pathogenic. Following criteria are met: 0103 - Loss of function and gain of function are known mechanisms of disease in this gene and are associated with RYR1-related disorders (OMIM). Gain of function mechanism has been described in the context of malignant hyperthermia susceptibility 1 (MIM#145600) and autosomal dominant congenital myopathy 1A with susceptibility to malignant hyperthermia (MIM#117000). Autosomal recessive congenital myopathy 1B (MIM#255320) is associated with a loss of function mechanism (PMIDs: 27855725, 23919265). The mechanism of King-Denborough syndrome (MIM#619542) is unclear. (I) 0108 - This gene is associated with both recessive and dominant disease (OMIM). (I) 0201 - Variant is predicted to cause nonsense-mediated decay (NMD) and loss of protein (premature termination codon is located at least 54 nucleotides upstream of the final exon-exon junction). (SP) 0251 - This variant is heterozygous. (I) 0301 - Variant is absent from gnomAD (v2, v3 and v4). (SP) 0701 - Other NMD-predicted variants comparable to the one identified in this case have very strong previous evidence for pathogenicity (DECIPHER). (SP) 0803 - This variant has limited previous evidence of pathogenicity in unrelated individuals. This variant has been classified as pathogenic by a clinical laboratory in ClinVar and has been reported in an individual with a second RYR1 variant with congenital myopathy, severe scoliosis, nocturnal hypoventilation, limited upgaze and minicore/multicore muscle biopsy findings (PMID: 29382405). (SP) 1007 - No published functional evidence has been identified for this variant. (I) Legend: (SP) - Supporting pathogenic, (I) - Information, (SB) - Supporting benign

PreventionGenetics, part of Exact Sciences
Classification: Pathogenic. Last evaluated: 2015-07-27. Review status: criteria provided, single submitter. Criteria: ACMG Guidelines, 2015. Collection method: clinical testing. Allele origin: germline.

Literature cited by the submitters: PubMed 23919265 (cited by Victorian Clinical Genetics Services, Murdoch Childrens Research Institute); PubMed 27855725 (cited by Victorian Clinical Genetics Services, Murdoch Childrens Research Institute); PubMed 29382405 (cited by Victorian Clinical Genetics Services, Murdoch Childrens Research Institute).

NM_000540.3(RYR1):c.13220del (p.Gly4407fs)

Gene: RYR1 (ryanodine receptor 1; plus strand). Cytogenetic location: 19q13.2.
Variant type: Deletion.
Coding change: c.13220del on transcript NM_000540.3 (MANE Select); coding-DNA position 13220, one base deleted (G; older notation c.13220delG).
Protein change: p.Gly4407fs; shifts the reading frame from glycine 4407.
Molecular consequence: frameshift variant.
Genome position (GRCh38, 1-based): chr19:38,565,554, G deleted; the last of 3 consecutive G bases (chr19:38,565,552-38,565,554); deleting any one gives the same sequence. VCF-style (leftmost placement, unchanged base first): chr19-38565551-AG-A. GRCh37 (hg19) VCF-style: chr19-39056191-AG-A.
Other names: c.13205del, p.Gly4402fs (NM_001042723.2); c.13220delG (NM_000540.2); short protein forms G4402fs, G4407fs.
Identifiers: ClinVar variation 590426 (VCV000590426.3), dbSNP rs1568583728, ClinGen allele CA891863129.